The following is an entry in ClinVar:

ClinVar aggregate classification (germline): Uncertain significance. Review status: criteria provided, multiple submitters, no conflicts (2 of 4 stars). 2 submissions from 2 submitters: Uncertain significance (2). Last evaluated 2022-08-16.

Conditions:
Hereditary cancer-predisposing syndrome. Also called: Neoplastic Syndromes, Hereditary; Tumor predisposition; Hereditary Cancer Syndrome; Hereditary neoplastic syndrome. Identifiers: Orphanet 140162, MedGen C0027672, MeSH D009386, MONDO:0015356.

Submissions (2):

Labcorp Genetics (formerly Invitae), Labcorp
Classification: Uncertain significance for Hereditary cancer-predisposing syndrome. Last evaluated: 2022-08-16. Review status: criteria provided, single submitter. Criteria: Invitae Variant Classification Sherloc (09022015). Collection method: clinical testing. Allele origin: germline.
Comment: This variant has not been reported in the literature in individuals affected with RAD50-related conditions. This sequence change replaces valine, which is neutral and non-polar, with methionine, which is neutral and non-polar, at codon 1283 of the RAD50 protein (p.Val1283Met). This variant is not present in population databases (gnomAD no frequency). ClinVar contains an entry for this variant (Variation ID: 231780). Algorithms developed to predict the effect of missense changes on protein structure and function output the following: SIFT: "Tolerated"; PolyPhen-2: "Possibly Damaging"; Align-GVGD: "Class C0". The methionine amino acid residue is found in multiple mammalian species, which suggests that this missense change does not adversely affect protein function. In summary, the available evidence is currently insufficient to determine the role of this variant in disease. Therefore, it has been classified as a Variant of Uncertain Significance.

Ambry Genetics
Classification: Uncertain significance for Hereditary cancer-predisposing syndrome. Last evaluated: 2019-08-24. Review status: criteria provided, single submitter. Criteria: Ambry Variant Classification Scheme 2023. Collection method: clinical testing. Allele origin: germline.
Comment: The p.V1283M variant (also known as c.3847G>A), located in coding exon 25 of the RAD50 gene, results from a G to A substitution at nucleotide position 3847. The valine at codon 1283 is replaced by methionine, an amino acid with highly similar properties. This amino acid position is well conserved in available vertebrate species. In addition, this alteration is predicted to be tolerated by in silico analysis. Since supporting evidence is limited at this time, the clinical significance of this alteration remains unclear.

NM_005732.4(RAD50):c.3847G>A (p.Val1283Met)

Genes: RAD50 (RAD50 double strand break repair protein; plus strand), TH2LCRR (T helper type 2 locus control region associated RNA; minus strand). Cytogenetic location: 5q31.1.
Variant type: single nucleotide variant.
Coding change: c.3847G>A on transcript NM_005732.4 (MANE Select); coding-DNA position 3847, G replaced by A.
Protein change: p.Val1283Met; replaces valine 1283 with methionine.
Molecular consequence: missense variant. On other transcripts: non-coding transcript variant (1).
Genome position (GRCh38, 1-based): chr5:132,642,272, G>A. VCF-style: chr5-132642272-G-A. GRCh37 (hg19) VCF-style: chr5-131977964-G-A.
Other names: short protein forms V1283M.
Identifiers: ClinVar variation 231780 (VCV000231780.14), dbSNP rs876659358, ClinGen allele CA10578621.